The following is an entry in ClinVar:

NM_001364905.1(LRBA):c.6378G>T (p.Glu2126Asp)

Gene: LRBA (LPS responsive beige-like anchor protein; minus strand). Cytogenetic location: 4q31.3.
Variant type: single nucleotide variant.
Coding change: c.6378G>T on transcript NM_001364905.1 (MANE Select); coding-DNA position 6378, G replaced by T.
Protein change: p.Glu2126Asp; replaces glutamic acid 2126 with aspartic acid.
Molecular consequence: missense variant.
Genome position (GRCh38, 1-based): chr4:150,490,988, C>A on the plus strand (G>T on the coding strand, the complement: LRBA is on the minus strand). VCF-style: chr4-150490988-C-A. GRCh37 (hg19) VCF-style: chr4-151412140-C-A.
Other names: c.6378G>T, p.Glu2126Asp (NM_001199282.3, NM_001367550.1); c.6411G>T, p.Glu2137Asp (NM_006726.5); short protein forms E2137D, E2126D.
Identifiers: ClinVar variation 540391 (VCV000540391.9), dbSNP rs377051616, ClinGen allele CA3101954.

ClinVar aggregate classification (germline): Uncertain significance. Review status: criteria provided, multiple submitters, no conflicts (2 of 4 stars). 2 submissions from 2 submitters: Uncertain significance (2). Last evaluated 2025-04-02.

Conditions:
Combined immunodeficiency due to LRBA deficiency. Also called: Common variable immunodeficiency 8, with autoimmunity. Identifiers: Orphanet 445018, MedGen C3553512, MONDO:0013863, OMIM 614700.
Inborn genetic diseases. Identifiers: MedGen C0950123, MeSH D030342.

Allele frequency attached by ClinVar (database versions not stated): ExAC 0.00001; gnomAD exomes 0.00004 and 0.00001; TOPMed 0.00001; ESP Exome Variant Server 0.00008.
gnomAD v4.1: 55 of 1,609,002 alleles (0.0034%); highest among the groups gnomAD compares: Non-Finnish European, 0.0046%; no homozygotes.

Submissions (2):

Ambry Genetics
Classification: Uncertain significance for Inborn genetic diseases. Last evaluated: 2025-04-02. Review status: criteria provided, single submitter. Criteria: Ambry Variant Classification Scheme 2023. Collection method: clinical testing. Allele origin: germline.

Labcorp Genetics (formerly Invitae), Labcorp
Classification: Uncertain significance for Combined immunodeficiency due to LRBA deficiency. Last evaluated: 2020-02-11. Review status: criteria provided, single submitter. Criteria: Invitae Variant Classification Sherloc (09022015). Collection method: clinical testing. Allele origin: germline.
Comment: In summary, the available evidence is currently insufficient to determine the role of this variant in disease. Therefore, it has been classified as a Variant of Uncertain Significance. Algorithms developed to predict the effect of missense changes on protein structure and function do not agree on the potential impact of this missense change (SIFT: "Tolerated"; PolyPhen-2: "Possibly Damaging"; Align-GVGD: "Class C0"). This variant has not been reported in the literature in individuals with LRBA-related disease. This variant is present in population databases (rs377051616, ExAC 0.01%). This sequence change replaces glutamic acid with aspartic acid at codon 2137 of the LRBA protein (p.Glu2137Asp). The glutamic acid residue is moderately conserved and there is a small physicochemical difference between glutamic acid and aspartic acid.